The following is an entry in ClinVar:

NM_000271.5(NPC1):c.2645A>G (p.Tyr882Cys)

Gene: NPC1 (NPC intracellular cholesterol transporter 1; minus strand). Cytogenetic location: 18q11.2.
Variant type: single nucleotide variant.
Coding change: c.2645A>G on transcript NM_000271.5 (MANE Select); coding-DNA position 2645, A replaced by G.
Protein change: p.Tyr882Cys; replaces tyrosine 882 with cysteine.
Molecular consequence: missense variant.
Genome position (GRCh38, 1-based): chr18:23,539,961, T>C on the plus strand (A>G on the coding strand, the complement: NPC1 is on the minus strand). VCF-style: chr18-23539961-T-C. GRCh37 (hg19) VCF-style: chr18-21119925-T-C.
Other names: c.2645A>G (NM_000271.4); short protein forms Y882C.
Identifiers: ClinVar variation 2175988 (VCV002175988.3), dbSNP rs748414541, ClinGen allele CA8913009.

ClinVar aggregate classification (germline): Uncertain significance. Review status: criteria provided, multiple submitters, no conflicts (2 of 4 stars). 2 submissions from 2 submitters: Uncertain significance (2). Last evaluated 2023-08-04.

Conditions:
Inborn genetic diseases. Identifiers: MedGen C0950123, MeSH D030342.
Niemann-Pick disease, type C1. Also called: NEUROVISCERAL STORAGE DISEASE WITH VERTICAL SUPRANUCLEAR OPHTHALMOPLEGIA; NIEMANN-PICK DISEASE WITH CHOLESTEROL ESTERIFICATION BLOCK; NIEMANN-PICK DISEASE WITHOUT SPHINGOMYELINASE DEFICIENCY; NIEMANN-PICK DISEASE, CHRONIC NEURONOPATHIC FORM; NIEMANN-PICK DISEASE, VARIANT TYPE C1. Identifiers: Orphanet 646, MedGen C3179455, MONDO:0009757, OMIM 257220.

Allele frequency attached by ClinVar (database versions not stated): ExAC 0.00001; gnomAD exomes 0.00001.
gnomAD v4.1: 5 of 1,614,204 alleles (0.00031%); highest among the groups gnomAD compares: Non-Finnish European, 0.00042%; no homozygotes.

Submissions (2):

Ambry Genetics
Classification: Uncertain significance for Inborn genetic diseases. Last evaluated: 2023-08-04. Review status: criteria provided, single submitter. Criteria: Ambry Variant Classification Scheme 2023. Collection method: clinical testing. Allele origin: germline.

Labcorp Genetics (formerly Invitae), Labcorp
Classification: Uncertain significance for Niemann-Pick disease, type C1. Last evaluated: 2022-09-15. Review status: criteria provided, single submitter. Criteria: Invitae Variant Classification Sherloc (09022015). Collection method: clinical testing. Allele origin: germline.
Comment: This sequence change replaces tyrosine, which is neutral and polar, with cysteine, which is neutral and slightly polar, at codon 882 of the NPC1 protein (p.Tyr882Cys). This variant is present in population databases (rs748414541, gnomAD 0.0009%). This variant has not been reported in the literature in individuals affected with NPC1-related conditions. Advanced modeling of protein sequence and biophysical properties (such as structural, functional, and spatial information, amino acid conservation, physicochemical variation, residue mobility, and thermodynamic stability) performed at Invitae indicates that this missense variant is expected to disrupt NPC1 protein function. In summary, the available evidence is currently insufficient to determine the role of this variant in disease. Therefore, it has been classified as a Variant of Uncertain Significance.